The following is an entry in ClinVar:

NM_198525.3(KIF7):c.4002del (p.Gly1334_Met1335insTer)

Gene: KIF7 (kinesin family member 7; minus strand). Cytogenetic location: 15q26.1.
Variant type: Deletion.
Coding change: c.4002del on transcript NM_198525.3 (MANE Select); coding-DNA position 4002, one base deleted (G; older notation c.4002delG).
Protein change: p.Gly1334_Met1335insTer.
Molecular consequence: frameshift variant.
Genome position (GRCh38, 1-based): chr15:89,628,449, C deleted on the plus strand (G on the coding strand, the reverse complement: KIF7 is on the minus strand); the first of 4 consecutive C bases (chr15:89,628,449-89,628,452); deleting any one gives the same sequence. VCF-style (leftmost placement, unchanged base first): chr15-89628448-TC-T. GRCh37 (hg19) VCF-style: chr15-90171679-TC-T.
Identifiers: ClinVar variation 2828862 (VCV002828862.3), dbSNP rs2505405957, ClinGen allele CA2739269738.

ClinVar aggregate classification (germline): Uncertain significance (1 of 4 stars; one submission).

Conditions:
Acrocallosal syndrome (ACLS). Also called: Schinzel syndrome 1; Absence of corpus callosum with unusual facial appearance, mental deficiency, duplication of the halluces and polydactyly; HALLUX DUPLICATION, POSTAXIAL POLYDACTYLY, AND ABSENCE OF CORPUS CALLOSUM. Identifiers: Orphanet 36, MedGen C0796147, MONDO:0008708, OMIM 200990.

Submission:

Labcorp Genetics (formerly Invitae), Labcorp
Classification: Uncertain significance for Acrocallosal syndrome. Last evaluated: 2024-01-19. Review status: criteria provided, single submitter. Criteria: Invitae Variant Classification Sherloc (09022015). Collection method: clinical testing. Allele origin: germline.
Comment: This sequence change creates a premature translational stop signal (p.Met1335*) in the KIF7 gene. While this is not anticipated to result in nonsense mediated decay, it is expected to disrupt the last 9 amino acid(s) of the KIF7 protein. This variant is not present in population databases (gnomAD no frequency). This variant has not been reported in the literature in individuals affected with KIF7-related conditions. In summary, the available evidence is currently insufficient to determine the role of this variant in disease. Therefore, it has been classified as a Variant of Uncertain Significance.